The following is an entry in ClinVar:

ClinVar aggregate classification (germline): Uncertain significance (1 of 4 stars; one submission).

Conditions:
Fanconi anemia (FA). Also called: Fanconi's anemia. Identifiers: Orphanet 84, MedGen C0015625, MeSH D005199, MONDO:0019391.

Submission:

Labcorp Genetics (formerly Invitae), Labcorp
Classification: Uncertain significance for Fanconi anemia. Last evaluated: 2024-03-21. Review status: criteria provided, single submitter. Criteria: Invitae Variant Classification Sherloc (09022015). Collection method: clinical testing. Allele origin: germline.
Comment: This sequence change replaces valine, which is neutral and non-polar, with leucine, which is neutral and non-polar, at codon 509 of the FANCI protein (p.Val509Leu). This variant is not present in population databases (gnomAD no frequency). This variant has not been reported in the literature in individuals affected with FANCI-related conditions. Advanced modeling of protein sequence and biophysical properties (such as structural, functional, and spatial information, amino acid conservation, physicochemical variation, residue mobility, and thermodynamic stability) performed at Invitae indicates that this missense variant is not expected to disrupt FANCI protein function with a negative predictive value of 80%. In summary, the available evidence is currently insufficient to determine the role of this variant in disease. Therefore, it has been classified as a Variant of Uncertain Significance.

NM_001113378.2(FANCI):c.1525G>C (p.Val509Leu)

Gene: FANCI (FA complementation group I; plus strand). Cytogenetic location: 15q26.1.
Variant type: single nucleotide variant.
Coding change: c.1525G>C on transcript NM_001113378.2 (MANE Select); coding-DNA position 1525, G replaced by C.
Protein change: p.Val509Leu; replaces valine 509 with leucine.
Molecular consequence: missense variant.
Genome position (GRCh38, 1-based): chr15:89,281,777, G>C. VCF-style: chr15-89281777-G-C. GRCh37 (hg19) VCF-style: chr15-89825008-G-C.
Other names: c.1246G>C, p.Val416Leu (NM_001376910.1); c.1525G>C, p.Val509Leu (NM_001376911.1, NM_018193.3); short protein forms V416L, V509L.
Identifiers: ClinVar variation 3628641 (VCV003628641.2).